The following is an entry in ClinVar:

ClinVar aggregate classification (germline): Uncertain significance. Review status: criteria provided, single submitter (1 of 4 stars). 2 submissions from 2 submitters: Uncertain significance (1). 1 of the submissions does not count toward it. Last evaluated 2025-09-10.

Conditions:
Kabuki syndrome 1 (KABUK1). Also called: KMT2D-Related Kabuki Syndrome. Identifiers: Orphanet 2322, MedGen CN030661, MONDO:0007843, OMIM 147920.
KMT2D-related disorder. Also called: KMT2D-Related Disorders.

Allele frequency attached by ClinVar (database versions not stated): gnomAD exomes below 0.00001.

Submissions (2):

Genomic Medicine Center of Excellence, King Faisal Specialist Hospital and Research Centre
Classification: Uncertain significance for Kabuki syndrome 1. Last evaluated: 2025-09-10. Review status: criteria provided, single submitter. Criteria: ACMG Guidelines, 2015. Collection method: clinical testing. Allele origin: germline.

PreventionGenetics, part of Exact Sciences
Classification: Uncertain significance for KMT2D-related condition. Last evaluated: 2024-01-18. Review status: no assertion criteria provided. Collection method: clinical testing. Allele origin: germline. Not counted in ClinVar's aggregate classification.
Comment: The KMT2D c.4135A>G variant is predicted to result in the amino acid substitution p.Met1379Val. To our knowledge, this variant has not been reported in the literature in individuals with KMT2D-related disorders. This variant is reported in 0.0029% of alleles in individuals of Latino descent in gnomAD. At this time, the clinical significance of this variant is uncertain due to the absence of conclusive functional and genetic evidence.

NM_003482.4(KMT2D):c.4135A>G (p.Met1379Val)

Gene: KMT2D (lysine methyltransferase 2D; minus strand). Cytogenetic location: 12q13.12.
Variant type: single nucleotide variant.
Coding change: c.4135A>G on transcript NM_003482.4 (MANE Select); coding-DNA position 4135, A replaced by G.
Protein change: p.Met1379Val; replaces methionine 1379 with valine.
Molecular consequence: missense variant.
Genome position (GRCh38, 1-based): chr12:49,048,066, T>C on the plus strand (A>G on the coding strand, the complement: KMT2D is on the minus strand). VCF-style: chr12-49048066-T-C. GRCh37 (hg19) VCF-style: chr12-49441849-T-C.
Other names: short protein forms M1379V.
Identifiers: ClinVar variation 3034086 (VCV003034086.3), dbSNP rs1364752601, ClinGen allele CA384649848.